The following is an entry in ClinVar:

NM_000540.3(RYR1):c.4383del (p.Met1461fs)

Gene: RYR1 (ryanodine receptor 1; plus strand). Cytogenetic location: 19q13.2.
Variant type: Deletion.
Coding change: c.4383del on transcript NM_000540.3 (MANE Select); coding-DNA position 4383, one base deleted (G; older notation c.4383delG).
Protein change: p.Met1461fs; shifts the reading frame from methionine 1461.
Molecular consequence: frameshift variant.
Genome position (GRCh38, 1-based): chr19:38,477,799, G deleted. VCF-style (leftmost placement, unchanged base first): chr19-38477798-TG-T. GRCh37 (hg19) VCF-style: chr19-38968438-TG-T.
Other names: c.4383del, p.Met1461fs (NM_001042723.2); short protein forms M1461fs.
Identifiers: ClinVar variation 2126491 (VCV002126491.4), dbSNP rs2514177715, ClinGen allele CA2580096936.

ClinVar aggregate classification (germline): Pathogenic (1 of 4 stars; one submission).

Conditions:
RYR1-related disorder. Also called: RYR1-related condition; RYR1-related disorders. Identifiers: MedGen CN239331.

Allele frequency attached by ClinVar (database versions not stated): gnomAD exomes below 0.00001.

Submission:

Labcorp Genetics (formerly Invitae), Labcorp
Classification: Pathogenic for RYR1-related disorder. Last evaluated: 2022-08-13. Review status: criteria provided, single submitter. Criteria: Invitae Variant Classification Sherloc (09022015). Collection method: clinical testing. Allele origin: germline.
Comment: For these reasons, this variant has been classified as Pathogenic. Algorithms developed to predict the effect of sequence changes on RNA splicing suggest that this variant may disrupt the consensus splice site. This variant has not been reported in the literature in individuals affected with RYR1-related conditions. This variant is not present in population databases (gnomAD no frequency). This sequence change creates a premature translational stop signal (p.Met1461Ilefs*11) in the RYR1 gene. It is expected to result in an absent or disrupted protein product. Loss-of-function variants in RYR1 are known to be pathogenic (PMID: 20583297, 20839240, 23919265, 28818389).

Literature cited by the submitters: PubMed 20583297; PubMed 20839240; PubMed 23919265; PubMed 28818389.